The following is an entry in ClinVar:

NR_001566.3(TERC):n.242delC

Genes: TERC (telomerase RNA component; minus strand), LOC110806306 (telomerase RNA component (TERC) promoter; plus strand). Cytogenetic location: 3q26.2.
Variant type: Deletion.
Genome position: GRCh38 VCF-style: chr3-169764815-CG-C. GRCh37 (hg19) VCF-style: chr3-169482603-CG-C.
Identifiers: ClinVar variation 534180 (VCV000534180.13), dbSNP rs1171775942, ClinGen allele CA548332328.

ClinVar aggregate classification (germline): Uncertain significance. Review status: criteria provided, multiple submitters, no conflicts (2 of 4 stars). 2 submissions from 2 submitters: Uncertain significance (2). Last evaluated 2024-06-03.

Conditions:
Dyskeratosis congenita, autosomal dominant 1 (DKCA1). Also called: Dyskeratosis congenita Scoggins type. Identifiers: Orphanet 1775, MedGen C4551974, MONDO:0007485, OMIM 127550. Inheritance: Variable.

Submissions (2):

GeneDx
Classification: Uncertain significance. Last evaluated: 2024-06-03. Review status: criteria provided, single submitter. Criteria: GeneDx Variant Classification Process June 2021. Collection method: clinical testing. Allele origin: germline. Affected: yes.
Comment: Has not been previously published as pathogenic or benign to our knowledge; May impact multiple regions of a TERC RNA including P5 stem of the CR4/CR5 domain and the loop region of the TERC RNA; Located at a position that is not conserved across multiple species; In the absence of RNA/functional studies, the actual effect of this sequence change is unknown

Labcorp Genetics (formerly Invitae), Labcorp
Classification: Uncertain significance for Dyskeratosis congenita, autosomal dominant 1. Last evaluated: 2022-12-15. Review status: criteria provided, single submitter. Criteria: Invitae Variant Classification Sherloc (09022015). Collection method: clinical testing. Allele origin: germline.
Comment: This variant occurs in the TERC gene, which encodes an RNA molecule that does not result in a protein product. This variant is present in population databases (no rsID available, gnomAD 0.001%). This variant has not been reported in the literature in individuals affected with TERC-related conditions. ClinVar contains an entry for this variant (Variation ID: 534180). This variant is located within the conserved regions 4 and 5 (CR4-CR5) domain of the TERC RNA component, which is required for telomerase activity (PMID: 15082312, 21844345). In summary, the available evidence is currently insufficient to determine the role of this variant in disease. Therefore, it has been classified as a Variant of Uncertain Significance.

Literature cited by the submitters: PubMed 15082312 (cited by Labcorp Genetics (formerly Invitae), Labcorp); PubMed 21844345 (cited by Labcorp Genetics (formerly Invitae), Labcorp).